The following is an entry in ClinVar:

NM_000428.3(LTBP2):c.4041C>G (p.Asn1347Lys)

Gene: LTBP2 (latent transforming growth factor beta binding protein 2; minus strand). Cytogenetic location: 14q24.3.
Variant type: single nucleotide variant.
Coding change: c.4041C>G on transcript NM_000428.3 (MANE Select); coding-DNA position 4041, C replaced by G.
Protein change: p.Asn1347Lys; replaces asparagine 1347 with lysine.
Molecular consequence: missense variant.
Genome position (GRCh38, 1-based): chr14:74,506,184, G>C on the plus strand (C>G on the coding strand, the complement: LTBP2 is on the minus strand). VCF-style: chr14-74506184-G-C. GRCh37 (hg19) VCF-style: chr14-74972887-G-C.
Other names: short protein forms N1347K.
Identifiers: ClinVar variation 3638452 (VCV003638452.2).

ClinVar aggregate classification (germline): Uncertain significance (1 of 4 stars; one submission).

Submission:

Labcorp Genetics (formerly Invitae), Labcorp
Classification: Uncertain significance. Last evaluated: 2026-01-12. Review status: criteria provided, single submitter. Criteria: Invitae Variant Classification Sherloc (09022015). Collection method: clinical testing. Allele origin: germline.
Comment: This sequence change replaces asparagine, which is neutral and polar, with lysine, which is basic and polar, at codon 1347 of the LTBP2 protein (p.Asn1347Lys). This variant is not present in population databases (gnomAD no frequency). This variant has not been reported in the literature in individuals affected with LTBP2-related conditions. ClinVar contains an entry for this variant (Variation ID: 3638452). An algorithm developed to predict the effect of missense changes on protein structure and function (PolyPhen-2) suggests that this variant is likely to be disruptive. In summary, the available evidence is currently insufficient to determine the role of this variant in disease. Therefore, it has been classified as a Variant of Uncertain Significance.